The following is an entry in ClinVar:

ClinVar aggregate classification (germline): Conflicting classifications of pathogenicity. Review status: criteria provided, conflicting classifications (1 of 4 stars). 2 submissions from 2 submitters: Uncertain significance (1); Likely benign (1). Last evaluated 2026-01-23.

Conditions:
ERBIN-related disorder. Also called: ERBIN-related condition.

Allele frequency attached by ClinVar (database versions not stated): 1000 Genomes Project 0.00040; 1000 Genomes Project 30x 0.00047; gnomAD exomes 0.00068 and 0.00098; ExAC 0.00069; gnomAD 0.00079 and 0.00081; TOPMed 0.00082; ESP Exome Variant Server 0.00100.
gnomAD v4.1: 1,517 of 1,598,268 alleles (0.095%); highest among the groups gnomAD compares: Non-Finnish European, 0.12%; 4 homozygotes.

Submissions (2):

Labcorp Genetics (formerly Invitae), Labcorp
Classification: Uncertain significance. Last evaluated: 2026-01-23. Review status: criteria provided, single submitter. Criteria: Invitae Variant Classification Sherloc (09022015). Collection method: clinical testing. Allele origin: germline.
Comment: This sequence change replaces threonine, which is neutral and polar, with methionine, which is neutral and non-polar, at codon 197 of the ERBIN protein (p.Thr197Met). This variant is present in population databases (rs146136641, gnomAD 0.1%), and has an allele count higher than expected for a pathogenic variant. This variant has not been reported in the literature in individuals affected with ERBIN-related conditions. ClinVar contains an entry for this variant (Variation ID: 1011763). An algorithm developed to predict the effect of missense changes on protein structure and function (PolyPhen-2) suggests that this variant is likely to be disruptive. In summary, the available evidence is currently insufficient to determine the role of this variant in disease. Therefore, it has been classified as a Variant of Uncertain Significance.

PreventionGenetics, part of Exact Sciences
Classification: Likely benign for ERBIN-related condition. Last evaluated: 2025-09-15. Review status: criteria provided, single submitter. Criteria: ACMG Guidelines, 2015. Collection method: clinical testing. Allele origin: germline.
Comment: This variant is classified as likely benign based on ACMG/AMP sequence variant interpretation guidelines (Richards et al. 2015 PMID: 25741868, with internal and published modifications).

NM_001253697.2(ERBIN):c.590C>T (p.Thr197Met)

Gene: ERBIN (erbb2 interacting protein; plus strand). Cytogenetic location: 5q12.3.
Variant type: single nucleotide variant.
Coding change: c.590C>T on transcript NM_001253697.2 (MANE Select); coding-DNA position 590, C replaced by T.
Protein change: p.Thr197Met; replaces threonine 197 with methionine.
Molecular consequence: missense variant.
Genome position (GRCh38, 1-based): chr5:66,021,378, C>T. VCF-style: chr5-66021378-C-T. GRCh37 (hg19) VCF-style: chr5-65317206-C-T.
Other names: c.590C>T, p.Thr197Met (NM_001006600.3, NM_001253698.2, NM_001253699.2 and 2 more transcripts); c.590C>T (NM_001006600.2); short protein forms T197M.
Identifiers: ClinVar variation 1011763 (VCV001011763.8), dbSNP rs146136641, ClinGen allele CA3285975.